The following is an entry in ClinVar:

NM_006705.4(GADD45G):c.334G>A (p.Gly112Ser)

Gene: GADD45G (growth arrest and DNA damage inducible gamma; plus strand). Cytogenetic location: 9q22.2.
Variant type: single nucleotide variant.
Coding change: c.334G>A on transcript NM_006705.4 (MANE Select); coding-DNA position 334, G replaced by A.
Protein change: p.Gly112Ser; replaces glycine 112 with serine.
Molecular consequence: missense variant.
Genome position (GRCh38, 1-based): chr9:89,605,845, G>A. VCF-style: chr9-89605845-G-A. GRCh37 (hg19) VCF-style: chr9-92220760-G-A.
Other names: NC_000009.11:g.92220760G>A; short protein forms G112S.
Identifiers: ClinVar variation 3042655 (VCV003042655.3), dbSNP rs3138505, ClinGen allele CA5118948.

ClinVar aggregate classification (germline): Benign (0 of 4 stars; one submission).

Conditions:
GADD45G-related disorder. Also called: GADD45G-related condition.

Allele frequency attached by ClinVar (database versions not stated): gnomAD exomes 0.00093; ExAC 0.00296; gnomAD 0.00954; ESP Exome Variant Server 0.01108; TOPMed 0.01153; 1000 Genomes Project 0.01198; 1000 Genomes Project 30x 0.01234.

Submissions (10):

PreventionGenetics, part of Exact Sciences
Classification: Benign for GADD45G-related condition. Last evaluated: 2019-03-12. Review status: no assertion criteria provided. Collection method: clinical testing. Allele origin: germline.
Comment: This variant is classified as benign based on ACMG/AMP sequence variant interpretation guidelines (Richards et al. 2015 PMID: 25741868, with internal and published modifications).

Dr. Peter K. Rogan Lab, Western University
No classification provided (evidence only). Condition: Clear cell carcinoma of kidney. Review status: no classification provided. Collection method: in vitro. Allele origin: not applicable. Functional consequence: retained intron. Not counted in ClinVar's aggregate classification.

Dr. Peter K. Rogan Lab, Western University
No classification provided (evidence only). Condition: Lung cancer. Review status: no classification provided. Collection method: in vitro. Allele origin: not applicable. Functional consequence: retained intron. Not counted in ClinVar's aggregate classification.

Dr. Peter K. Rogan Lab, Western University
No classification provided (evidence only). Condition: Uterine corpus endometrial carcinoma. Review status: no classification provided. Collection method: in vitro. Allele origin: not applicable. Functional consequence: retained intron. Not counted in ClinVar's aggregate classification.

Dr. Peter K. Rogan Lab, Western University
No classification provided (evidence only). Condition: Cervical cancer. Review status: no classification provided. Collection method: in vitro. Allele origin: not applicable. Functional consequence: retained intron. Not counted in ClinVar's aggregate classification.

Dr. Peter K. Rogan Lab, Western University
No classification provided (evidence only). Condition: Cervical cancer. Review status: no classification provided. Collection method: in vitro. Allele origin: not applicable. Functional consequence: retained intron. Not counted in ClinVar's aggregate classification.

Dr. Peter K. Rogan Lab, Western University
No classification provided (evidence only). Condition: Hepatocellular carcinoma. Review status: no classification provided. Collection method: in vitro. Allele origin: not applicable. Functional consequence: retained intron. Not counted in ClinVar's aggregate classification.

Dr. Peter K. Rogan Lab, Western University
No classification provided (evidence only). Condition: Cholangiocarcinoma. Review status: no classification provided. Collection method: in vitro. Allele origin: not applicable. Functional consequence: retained intron. Not counted in ClinVar's aggregate classification.

Dr. Peter K. Rogan Lab, Western University
No classification provided (evidence only). Condition: Gastric cancer. Review status: no classification provided. Collection method: in vitro. Allele origin: not applicable. Functional consequence: retained intron. Not counted in ClinVar's aggregate classification.

Dr. Peter K. Rogan Lab, Western University
No classification provided (evidence only). Condition: Uterine carcinosarcoma. Review status: no classification provided. Collection method: in vitro. Allele origin: not applicable. Functional consequence: retained intron. Not counted in ClinVar's aggregate classification.